The following is an entry in ClinVar:

ClinVar aggregate classification (germline): Uncertain significance (1 of 4 stars; one submission).

Conditions:
Hereditary cancer-predisposing syndrome. Also called: Neoplastic Syndromes, Hereditary; Tumor predisposition; Hereditary Cancer Syndrome; Hereditary neoplastic syndrome. Identifiers: Orphanet 140162, MedGen C0027672, MeSH D009386, MONDO:0015356.

Submission:

Ambry Genetics
Classification: Uncertain significance for Hereditary cancer-predisposing syndrome. Last evaluated: 2025-11-16. Review status: criteria provided, single submitter. Criteria: Ambry Variant Classification Scheme 2023. Collection method: clinical testing. Allele origin: germline.
Comment: The p.D383V variant (also known as c.1148A>T), located in coding exon 13 of the CDC73 gene, results from an A to T substitution at nucleotide position 1148. The aspartic acid at codon 383 is replaced by valine, an amino acid with highly dissimilar properties. This amino acid position is conserved. In addition, this alteration is predicted to be deleterious by in silico analysis. Based on the available evidence, the clinical significance of this variant remains unclear.

NM_024529.5(CDC73):c.1148A>T (p.Asp383Val)

Gene: CDC73 (cell division cycle 73; plus strand). Cytogenetic location: 1q31.2.
Variant type: single nucleotide variant.
Coding change: c.1148A>T on transcript NM_024529.5 (MANE Select); coding-DNA position 1148, A replaced by T.
Protein change: p.Asp383Val; replaces aspartic acid 383 with valine.
Molecular consequence: missense variant.
Genome position (GRCh38, 1-based): chr1:193,212,471, A>T. VCF-style: chr1-193212471-A-T. GRCh37 (hg19) VCF-style: chr1-193181601-A-T.
Other names: short protein forms D383V.
Identifiers: ClinVar variation 4631680 (VCV004631680.1).